The following is an entry in ClinVar:

ClinVar aggregate classification (germline): Uncertain significance (1 of 4 stars; one submission).

Submission:

Ambry Genetics
Classification: Uncertain significance. Last evaluated: 2025-06-01. Review status: criteria provided, single submitter. Criteria: Ambry Variant Classification Scheme 2023. Collection method: clinical testing. Allele origin: germline.
Comment: The p.D1591G variant (also known as c.4772A>G), located in coding exon 19 of the WNK2 gene, results from an A to G substitution at nucleotide position 4772. The aspartic acid at codon 1591 is replaced by glycine, an amino acid with similar properties. This amino acid position is conserved. In addition, this alteration is predicted to be tolerated by in silico analysis. Based on the available evidence, the clinical significance of this variant remains unclear.

NM_006648.4(WNK2):c.4772A>G (p.Asp1591Gly)

Gene: WNK2 (WNK lysine deficient protein kinase 2; plus strand). Cytogenetic location: 9q22.31.
Variant type: single nucleotide variant.
Coding change: c.4772A>G on transcript NM_006648.4 (MANE Select); coding-DNA position 4772, A replaced by G.
Protein change: p.Asp1591Gly; replaces aspartic acid 1591 with glycine.
Molecular consequence: missense variant.
Genome position (GRCh38, 1-based): chr9:93,289,526, A>G. VCF-style: chr9-93289526-A-G. GRCh37 (hg19) VCF-style: chr9-96051808-A-G.
Other names: c.4883A>G, p.Asp1628Gly (NM_001282394.3); short protein forms D1628G, D1591G.
Identifiers: ClinVar variation 3982151 (VCV003982151.1).